The following is an entry in ClinVar:

NM_002880.4(RAF1):c.1418A>G (p.Asn473Ser)

Gene: RAF1 (Raf-1 proto-oncogene, serine/threonine kinase; minus strand). Cytogenetic location: 3p25.2.
Variant type: single nucleotide variant.
Coding change: c.1418A>G on transcript NM_002880.4 (MANE Select); coding-DNA position 1418, A replaced by G.
Protein change: p.Asn473Ser; replaces asparagine 473 with serine.
Molecular consequence: missense variant. On other transcripts: non-coding transcript variant (3).
Genome position (GRCh38, 1-based): chr3:12,585,799, T>C on the plus strand (A>G on the coding strand, the complement: RAF1 is on the minus strand). VCF-style: chr3-12585799-T-C. GRCh37 (hg19) VCF-style: chr3-12627298-T-C.
Other names: c.1478A>G, p.Asn493Ser (NM_001354689.3); c.1418A>G, p.Asn473Ser (NM_001354690.3); c.1175A>G, p.Asn392Ser (NM_001354691.3, NM_001354692.3); c.1319A>G, p.Asn440Ser (NM_001354693.3); c.1235A>G, p.Asn412Ser (NM_001354694.3); c.1076A>G, p.Asn359Ser (NM_001354695.3); short protein forms N359S, N392S, N412S, N440S, N473S, N493S.
Identifiers: ClinVar variation 981598 (VCV000981598.10), dbSNP rs2470192441, ClinGen allele CA351499318.

ClinVar aggregate classification (germline): Conflicting classifications of pathogenicity. Review status: criteria provided, conflicting classifications (1 of 4 stars). 6 submissions from 6 submitters: Likely pathogenic (1); Uncertain significance (4). 1 of the submissions does not count toward it. Last evaluated 2025-02-19.

Conditions:
Noonan syndrome 5 (NS5). Also called: RAF1-Related Noonan Syndrome. Identifiers: Orphanet 648, MedGen C1969057, MONDO:0012690, OMIM 611553. Disease mechanism: gain of function.
RASopathy. Also called: rasopathies; Noonan spectrum disorder. Identifiers: Orphanet 536391, MedGen C5555857, MONDO:0021060.
RAF1-related disorder. Also called: RAF1-related disorders; RAF1-related condition.
Cardiovascular phenotype. Identifiers: MedGen CN230736.
Noonan syndrome (NS). Also called: Noonan's syndrome. Identifiers: Orphanet 648, MedGen C0028326, MeSH D009634, MONDO:0018997. Disease mechanism: gain of function.

Allele frequency attached by ClinVar (database versions not stated): gnomAD exomes below 0.00001.
gnomAD v4.1: 2 of 1,597,352 alleles (0.00013%); highest among the groups gnomAD compares: Non-Finnish European, 0.00017%; no homozygotes.

Submissions (6):

3billion
Classification: Uncertain significance for Noonan syndrome 5. Last evaluated: 2025-02-19. Review status: criteria provided, single submitter. Criteria: ACMG Guidelines, 2015. Collection method: clinical testing. Allele origin: germline. Affected: yes.
Comment: The variant is observed at an extremely low frequency in the gnomAD v4.1.0 dataset (total allele frequency: <0.001%). Predicted Consequence/Location: The variant is located in a mutational hot spot and/or well-established functional domain in which established pathogenic variants have been reported (PMID: 29493581). Missense variant. Missense changes are a common disease-causing mechanism. In silico tool predictions suggest damaging effect of the variant on gene or gene product [REVEL: 0.86 (>=0.6, sensitivity 0.68 and specificity 0.92); 3Cnet: 0.82 (>=0.6, sensitivity 0.72 and precision 0.9)]. The variant has been reported as of uncertain significance (ClinVar ID: VCV000981598). Therefore, this variant is classified as VUS according to the recommendation of ACMG/AMP guideline.

Blueprint Genetics
Classification: Likely pathogenic for RAF1-related disorders. Last evaluated: 2024-06-06. Review status: criteria provided, single submitter. Criteria: ACMG Guidelines, 2015. Collection method: clinical testing. Allele origin: germline. Affected: yes. Observed: 1 variant allele.

Ambry Genetics
Classification: Uncertain significance for Cardiovascular phenotype. Last evaluated: 2024-03-08. Review status: criteria provided, single submitter. Criteria: Ambry Variant Classification Scheme 2023. Collection method: clinical testing. Allele origin: germline.
Comment: The p.N473S variant (also known as c.1418A>G) is located in coding exon 13 of the RAF1 gene. The asparagine at codon 473 is replaced by serine, an amino acid with highly similar properties. This change occurs in the first base pair of coding exon 13. This amino acid position is highly conserved in available vertebrate species. In addition, this alteration is predicted to be deleterious by in silico analysis. Based on the available evidence, the clinical significance of this alteration remains unclear.

Labcorp Genetics (formerly Invitae), Labcorp
Classification: Uncertain significance for RASopathy. Last evaluated: 2022-03-18. Review status: criteria provided, single submitter. Criteria: Invitae Variant Classification Sherloc (09022015). Collection method: clinical testing. Allele origin: germline.
Comment: This sequence change replaces asparagine, which is neutral and polar, with serine, which is neutral and polar, at codon 473 of the RAF1 protein (p.Asn473Ser). This variant is not present in population databases (gnomAD no frequency). This variant has not been reported in the literature in individuals affected with RAF1-related conditions. ClinVar contains an entry for this variant (Variation ID: 981598). Algorithms developed to predict the effect of missense changes on protein structure and function are either unavailable or do not agree on the potential impact of this missense change (SIFT: "Deleterious"; PolyPhen-2: "Possibly Damaging"; Align-GVGD: "Class C0"). In summary, the available evidence is currently insufficient to determine the role of this variant in disease. Therefore, it has been classified as a Variant of Uncertain Significance.

GeneDx
Classification: Uncertain significance. Last evaluated: 2019-06-27. Review status: criteria provided, single submitter. Criteria: GeneDx Variant Classification Process June 2021. Collection method: clinical testing. Allele origin: germline. Affected: yes.
Comment: Has not been previously published as pathogenic or benign to our knowledge; In silico protein predictors and evolutionary conservation support a deleterious effect; In silico splicing predictors suggest this variant may impact gene splicing. In the absence of RNA/functional studies, the actual effect of this sequence change is unknown.

Service de Génétique Moléculaire, Hôpital Robert Debré
Classification: Uncertain significance for Noonan syndrome. Review status: no assertion criteria provided. Collection method: clinical testing. Allele origin: unknown. Affected: yes. Not counted in ClinVar's aggregate classification.